The following is an entry in ClinVar:

NM_004380.3(CREBBP):c.57G>C (p.Ser19=)

Genes: CREBBP (CREB binding lysine acetyltransferase; minus strand), LOC130058357 (ATAC-STARR-seq lymphoblastoid silent region 7141; plus strand). Cytogenetic location: 16p13.3.
Variant type: single nucleotide variant.
Coding change: c.57G>C on transcript NM_004380.3 (MANE Select); coding-DNA position 57, G replaced by C.
Protein change: p.Ser19=; no amino-acid change (serine 19 retained).
Molecular consequence: synonymous variant.
Genome position (GRCh38, 1-based): chr16:3,879,860, C>G on the plus strand (G>C on the coding strand, the complement: CREBBP is on the minus strand). VCF-style: chr16-3879860-C-G. GRCh37 (hg19) VCF-style: chr16-3929861-C-G.
Other names: c.57G>C, p.Ser19= (NM_001079846.1).
Identifiers: ClinVar variation 3355319 (VCV003355319.2).

ClinVar aggregate classification (germline): Likely benign. Review status: criteria provided, single submitter (1 of 4 stars). 2 submissions from 2 submitters: Likely benign (1). 1 of the submissions does not count toward it. Last evaluated 2022-09-13.

Conditions:
CREBBP-related disorder. Also called: CREBBP-related condition; CREBBP-related disorders.

gnomAD v4.1: 2 of 1,612,056 alleles (0.00012%); no homozygotes.

Submissions (2):

Blueprint Genetics
Classification: Likely benign. Last evaluated: 2022-09-13. Review status: criteria provided, single submitter. Criteria: ACMG Guidelines, 2015. Collection method: clinical testing. Allele origin: germline.

PreventionGenetics, part of Exact Sciences
Classification: Likely benign for CREBBP-related condition. Last evaluated: 2023-02-09. Review status: no assertion criteria provided. Collection method: clinical testing. Allele origin: germline. Not counted in ClinVar's aggregate classification.
Comment: This variant is classified as likely benign based on ACMG/AMP sequence variant interpretation guidelines (Richards et al. 2015 PMID: 25741868, with internal and published modifications).